The following is an entry in ClinVar:

NM_001042492.3(NF1):c.5268+2T>C

Gene: NF1 (neurofibromin 1; plus strand). Cytogenetic location: 17q11.2.
Variant type: single nucleotide variant.
Coding change: c.5268+2T>C on transcript NM_001042492.3 (MANE Select); the canonical splice donor site of the intron after coding-DNA position 5268, T replaced by C.
Molecular consequence: splice donor variant.
Genome position (GRCh38, 1-based): chr17:31,326,254, T>C. VCF-style: chr17-31326254-T-C. GRCh37 (hg19) VCF-style: chr17-29653272-T-C.
Other names: c.5205+2T>C (NM_000267.4, NM_000267.3).
Identifiers: ClinVar variation 1075148 (VCV001075148.3), dbSNP rs1555533416, ClinGen allele CA399008444.

ClinVar aggregate classification (germline): Pathogenic/Likely pathogenic. Review status: criteria provided, multiple submitters, no conflicts (2 of 4 stars). 2 submissions from 2 submitters: Pathogenic (1); Likely pathogenic (1). Last evaluated 2025-07-02.

Conditions:
Cardiovascular phenotype. Identifiers: MedGen CN230736.
Hereditary cancer-predisposing syndrome. Also called: Tumor predisposition; Hereditary Cancer Syndrome; Neoplastic Syndromes, Hereditary; Hereditary neoplastic syndrome. Identifiers: Orphanet 140162, MedGen C0027672, MeSH D009386, MONDO:0015356.
Neurofibromatosis, type 1 (NF1). Also called: NEUROFIBROMATOSIS, TYPE I, SOMATIC; Peripheral type neurofibromatosis; VON RECKLINGHAUSEN DISEASE; Neurofibromatosis, type I. Identifiers: Orphanet 636, MedGen C0027831, MONDO:0018975, OMIM 162200. Disease mechanism: loss of function.

Submissions (2):

Ambry Genetics
Classification: Likely pathogenic for Cardiovascular phenotype; Hereditary cancer-predisposing syndrome. Last evaluated: 2025-07-02. Review status: criteria provided, single submitter. Criteria: Ambry Variant Classification Scheme 2023. Collection method: clinical testing. Allele origin: germline.
Comment: The c.5205+2T>C intronic variant results from a T to C substitution two nucleotides after coding exon 36 in the NF1 gene. This nucleotide position is highly conserved in available vertebrate species. In silico splice site analysis predicts that this alteration will weaken the native splice donor site. RNA studies have demonstrated that this alteration results in abnormal splicing in the set of samples tested (Ambry internal data). Other variant(s) impacting the same donor site (c.5205+1G>A) have been shown to have a similar impact on splicing in individual(s) with features consistent with neurofibromatosis type 1 (Ars E et al. Hum Mol Genet, 2000 Jan;9:237-47). c.5205+2T>C is considered to be rare based on population cohorts in the Genome Aggregation Database (gnomAD). Based on the majority of available evidence to date, this variant is likely to be pathogenic.

Labcorp Genetics (formerly Invitae), Labcorp
Classification: Pathogenic for Neurofibromatosis, type 1. Last evaluated: 2020-03-26. Review status: criteria provided, single submitter. Criteria: Invitae Variant Classification Sherloc (09022015). Collection method: clinical testing. Allele origin: germline.
Comment: This sequence change affects a donor splice site in intron 36 of the NF1 gene. It is expected to disrupt RNA splicing and likely results in an absent or disrupted protein product. This variant is not present in population databases (ExAC no frequency). Disruption of this splice site has been observed in individual(s) with neurofibromatosis type I (PMID: 30014477, 7633431). Algorithms developed to predict the effect of sequence changes on RNA splicing suggest that this variant may disrupt the consensus splice site, but this prediction has not been confirmed by published transcriptional studies. Donor and acceptor splice site variants typically lead to a loss of protein function (PMID: 16199547), and loss-of-function variants in NF1 are known to be pathogenic (PMID: 10712197, 23913538). For these reasons, this variant has been classified as Pathogenic.

Literature cited by the submitters: PubMed 30014477 (cited by Labcorp Genetics (formerly Invitae), Labcorp); PubMed 7633431 (cited by Labcorp Genetics (formerly Invitae), Labcorp); PubMed 16199547 (cited by Labcorp Genetics (formerly Invitae), Labcorp); PubMed 10712197 (cited by Labcorp Genetics (formerly Invitae), Labcorp); PubMed 23913538 (cited by Labcorp Genetics (formerly Invitae), Labcorp).